The following is an entry in ClinVar:

ClinVar aggregate classification (germline): Uncertain significance (1 of 4 stars; one submission).

Conditions:
Familial hemophagocytic lymphohistiocytosis 2 (FHL2). Also called: PRF1-Related Familial Hemophagocytic Lymphohistiocytosis (PRF1-fHLH). Identifiers: Orphanet 540, MedGen C1863727, MONDO:0011337, OMIM 603553.

Allele frequency attached by ClinVar (database versions not stated): gnomAD exomes below 0.00001.
gnomAD v4.1: 5 of 1,614,244 alleles (0.00031%); highest among the groups gnomAD compares: African/African-American, 0.004%; no homozygotes.

Submission:

Labcorp Genetics (formerly Invitae), Labcorp
Classification: Uncertain significance for Familial hemophagocytic lymphohistiocytosis 2. Last evaluated: 2024-02-24. Review status: criteria provided, single submitter. Criteria: Invitae Variant Classification Sherloc (09022015). Collection method: clinical testing. Allele origin: germline.
Comment: This sequence change replaces alanine, which is neutral and non-polar, with valine, which is neutral and non-polar, at codon 327 of the PRF1 protein (p.Ala327Val). This variant is not present in population databases (gnomAD no frequency). This variant has not been reported in the literature in individuals affected with PRF1-related conditions. ClinVar contains an entry for this variant (Variation ID: 936126). Advanced modeling of protein sequence and biophysical properties (such as structural, functional, and spatial information, amino acid conservation, physicochemical variation, residue mobility, and thermodynamic stability) has been performed at Invitae for this missense variant, however the output from this modeling did not meet the statistical confidence thresholds required to predict the impact of this variant on PRF1 protein function. In summary, the available evidence is currently insufficient to determine the role of this variant in disease. Therefore, it has been classified as a Variant of Uncertain Significance.

NM_001083116.3(PRF1):c.980C>T (p.Ala327Val)

Gene: PRF1 (perforin 1; minus strand). Cytogenetic location: 10q22.1.
Variant type: single nucleotide variant.
Coding change: c.980C>T on transcript NM_001083116.3 (MANE Select); coding-DNA position 980, C replaced by T.
Protein change: p.Ala327Val; replaces alanine 327 with valine.
Molecular consequence: missense variant.
Genome position (GRCh38, 1-based): chr10:70,598,741, G>A on the plus strand (C>T on the coding strand, the complement: PRF1 is on the minus strand). VCF-style: chr10-70598741-G-A. GRCh37 (hg19) VCF-style: chr10-72358497-G-A.
Other names: c.980C>T, p.Ala327Val (NM_005041.6); short protein forms A327V.
Identifiers: ClinVar variation 936126 (VCV000936126.7), dbSNP rs371021342, ClinGen allele CA209367483.